The following is an entry in ClinVar:

NM_000135.4(FANCA):c.1102G>A (p.Ala368Thr)

Gene: FANCA (FA complementation group A; minus strand). Cytogenetic location: 16q24.3.
Variant type: single nucleotide variant.
Coding change: c.1102G>A on transcript NM_000135.4 (MANE Select); coding-DNA position 1102, G replaced by A.
Protein change: p.Ala368Thr; replaces alanine 368 with threonine.
Molecular consequence: missense variant.
Genome position (GRCh38, 1-based): chr16:89,792,050, C>T on the plus strand (G>A on the coding strand, the complement: FANCA is on the minus strand). VCF-style: chr16-89792050-C-T. GRCh37 (hg19) VCF-style: chr16-89858458-C-T.
Other names: c.1102G>A (LRG_495t1); c.1102G>A, p.Ala368Thr (NM_001286167.3); short protein forms A368T.
Identifiers: ClinVar variation 656925 (VCV000656925.7), dbSNP rs1598152904, ClinGen allele CA397466335.

ClinVar aggregate classification (germline): Uncertain significance. Review status: criteria provided, multiple submitters, no conflicts (2 of 4 stars). 2 submissions from 2 submitters: Uncertain significance (2). Last evaluated 2025-08-08.

Conditions:
Inborn genetic diseases. Identifiers: MedGen C0950123, MeSH D030342.
Fanconi anemia (FA). Also called: Fanconi's anemia. Identifiers: Orphanet 84, MedGen C0015625, MeSH D005199, MONDO:0019391.

Submissions (2):

Ambry Genetics
Classification: Uncertain significance for Inborn genetic diseases. Last evaluated: 2025-08-08. Review status: criteria provided, single submitter. Criteria: Ambry Variant Classification Scheme 2023. Collection method: clinical testing. Allele origin: germline.
Comment: The p.A368T variant (also known as c.1102G>A), located in coding exon 13 of the FANCA gene, results from a G to A substitution at nucleotide position 1102. The alanine at codon 368 is replaced by threonine, an amino acid with similar properties. This amino acid position is conserved. In addition, this alteration is predicted to be tolerated by in silico analysis. Based on the available evidence, the clinical significance of this variant remains unclear.

Labcorp Genetics (formerly Invitae), Labcorp
Classification: Uncertain significance for Fanconi anemia. Last evaluated: 2022-02-19. Review status: criteria provided, single submitter. Criteria: Invitae Variant Classification Sherloc (09022015). Collection method: clinical testing. Allele origin: germline.
Comment: This sequence change replaces alanine, which is neutral and non-polar, with threonine, which is neutral and polar, at codon 368 of the FANCA protein (p.Ala368Thr). This variant is not present in population databases (gnomAD no frequency). This variant has not been reported in the literature in individuals affected with FANCA-related conditions. ClinVar contains an entry for this variant (Variation ID: 656925). Advanced modeling of protein sequence and biophysical properties (such as structural, functional, and spatial information, amino acid conservation, physicochemical variation, residue mobility, and thermodynamic stability) performed at Invitae indicates that this missense variant is not expected to disrupt FANCA protein function. In summary, the available evidence is currently insufficient to determine the role of this variant in disease. Therefore, it has been classified as a Variant of Uncertain Significance.